The following is an entry in ClinVar:

ClinVar aggregate classification (germline): Likely benign (1 of 4 stars; one submission).

Submission:

CeGaT Center for Human Genetics Tuebingen
Classification: Likely benign. Last evaluated: 2026-09-01. Review status: criteria provided, single submitter. Criteria: CeGaT Center For Human Genetics Tuebingen Variant Classification Criteria Version 2. Collection method: clinical testing. Allele origin: germline. Affected: yes. Observed: 1 variant allele.
Comment: GREB1L: PM2:Supporting, BP4, BP7

NM_001142966.3(GREB1L):c.4467T>C (p.His1489=)

Gene: GREB1L (GREB1 like retinoic acid receptor coactivator; plus strand). Cytogenetic location: 18q11.2.
Variant type: single nucleotide variant.
Coding change: c.4467T>C on transcript NM_001142966.3 (MANE Select); coding-DNA position 4467, T replaced by C.
Protein change: p.His1489=; no amino-acid change (histidine 1489 retained).
Molecular consequence: synonymous variant.
Genome position (GRCh38, 1-based): chr18:21,508,216, T>C. VCF-style: chr18-21508216-T-C. GRCh37 (hg19) VCF-style: chr18-19088177-T-C.
Other names: c.4596T>C, p.His1532= (NM_001410867.1); c.4140T>C, p.His1380= (NM_001410868.1).
Identifiers: ClinVar variation 5041395 (VCV005041395.1).